The following is an entry in ClinVar:

ClinVar aggregate classification (germline): Benign (1 of 4 stars; one submission).

Allele frequency attached by ClinVar (database versions not stated): 1000 Genomes Project 30x 0.00016; 1000 Genomes Project 0.00020.
gnomAD v4.1: 54 of 398,708 alleles (0.014%); highest among the groups gnomAD compares: Admixed American, 0.15%; no homozygotes.

Submission:

CeGaT Center for Human Genetics Tuebingen
Classification: Benign. Last evaluated: 2022-09-01. Review status: criteria provided, single submitter. Criteria: CeGaT Center For Human Genetics Tuebingen Variant Classification Criteria Version 2. Collection method: clinical testing. Allele origin: germline. Affected: yes. Observed: 1 variant allele.
Comment: USP7: BS1, BS2

NC_000016.10:g.8885239G>T

Genes: LITAFD (LITAF domain containing; plus strand), USP7 (ubiquitin specific peptidase 7; minus strand). Cytogenetic location: 16p13.2.
Variant type: single nucleotide variant.
Molecular consequence: missense variant (on NM_001395433.1).
Genome position: GRCh38 VCF-style: chr16-8885239-G-T. GRCh37 (hg19) VCF-style: chr16-8979096-G-T.
Other names: c.163G>T, p.Val55Leu (NM_001395433.1, NM_001395434.1); short protein forms V55L.
Identifiers: ClinVar variation 2646184 (VCV002646184.24), dbSNP rs549313641, ClinGen allele CA277491296.